The following is an entry in ClinVar:

NM_004855.5(PIGB):c.84C>T (p.Ser28=)

Gene: PIGB (phosphatidylinositol glycan anchor biosynthesis class B; plus strand). Cytogenetic location: 15q21.3.
Variant type: single nucleotide variant.
Coding change: c.84C>T on transcript NM_004855.5 (MANE Select); coding-DNA position 84, C replaced by T.
Protein change: p.Ser28=; no amino-acid change (serine 28 retained).
Molecular consequence: synonymous variant.
Genome position (GRCh38, 1-based): chr15:55,319,334, C>T. VCF-style: chr15-55319334-C-T. GRCh37 (hg19) VCF-style: chr15-55611532-C-T.
Identifiers: ClinVar variation 3778502 (VCV003778502.7).

ClinVar aggregate classification (germline): Likely benign (1 of 4 stars; one submission).

Submission:

CeGaT Center for Human Genetics Tuebingen
Classification: Likely benign. Last evaluated: 2025-03-01. Review status: criteria provided, single submitter. Criteria: CeGaT Center For Human Genetics Tuebingen Variant Classification Criteria Version 2. Collection method: clinical testing. Allele origin: germline. Affected: yes. Observed: 1 variant allele.
Comment: PIGB: PM2:Supporting, BP4, BP7